The following is an entry in ClinVar:

ClinVar aggregate classification (germline): Conflicting classifications of pathogenicity. Review status: criteria provided, conflicting classifications (1 of 4 stars). 4 submissions from 4 submitters: Uncertain significance (3); Likely benign (1). Last evaluated 2025-08-18.

Conditions:
Cardiovascular phenotype. Identifiers: MedGen CN230736.
Hereditary cancer-predisposing syndrome. Also called: Hereditary neoplastic syndrome; Neoplastic Syndromes, Hereditary; Tumor predisposition; Hereditary Cancer Syndrome. Identifiers: Orphanet 140162, MedGen C0027672, MeSH D009386, MONDO:0015356.
Neurofibromatosis, type 1 (NF1). Also called: VON RECKLINGHAUSEN DISEASE; Peripheral type neurofibromatosis; NEUROFIBROMATOSIS, TYPE I, SOMATIC; Neurofibromatosis, type I. Identifiers: Orphanet 636, MedGen C0027831, MONDO:0018975, OMIM 162200. Disease mechanism: loss of function.

Allele frequency attached by ClinVar (database versions not stated): ExAC 0.00001; TOPMed 0.00001; gnomAD 0.00002; gnomAD exomes below 0.00001.
gnomAD v4.1: 3 of 1,613,556 alleles (0.00019%); highest among the groups gnomAD compares: African/African-American, 0.004%; no homozygotes.

Submissions (4):

Labcorp Genetics (formerly Invitae), Labcorp
Classification: Likely benign for Neurofibromatosis, type 1. Last evaluated: 2025-08-18. Review status: criteria provided, single submitter. Criteria: Invitae Variant Classification Sherloc (09022015). Collection method: clinical testing. Allele origin: germline.

Ambry Genetics
Classification: Uncertain significance for Cardiovascular phenotype; Hereditary cancer-predisposing syndrome. Last evaluated: 2025-07-05. Review status: criteria provided, single submitter. Criteria: Ambry Variant Classification Scheme 2023. Collection method: clinical testing. Allele origin: germline.
Comment: The p.A761V variant (also known as c.2282C>T), located in coding exon 19 of the NF1 gene, results from a C to T substitution at nucleotide position 2282. The alanine at codon 761 is replaced by valine, an amino acid with similar properties. This amino acid position is highly conserved in available vertebrate species. In addition, the in silico prediction for this alteration is inconclusive. Since supporting evidence is limited at this time, the clinical significance of this alteration remains unclear.

Genome-Nilou Lab
Classification: Uncertain significance for Neurofibromatosis, type 1. Last evaluated: 2022-03-15. Review status: criteria provided, single submitter. Criteria: ACMG Guidelines, 2015. Collection method: clinical testing. Allele origin: germline. Affected: no.

GeneDx
Classification: Uncertain significance. Last evaluated: 2019-03-25. Review status: criteria provided, single submitter. Criteria: GeneDx Variant Classification Process June 2021. Collection method: clinical testing. Allele origin: germline. Affected: yes.
Comment: In silico analysis, which includes protein predictors and evolutionary conservation, supports a deleterious effect; Has not been previously published as pathogenic or benign to our knowledge

NM_001042492.3(NF1):c.2282C>T (p.Ala761Val)

Gene: NF1 (neurofibromin 1; plus strand). Cytogenetic location: 17q11.2.
Variant type: single nucleotide variant.
Coding change: c.2282C>T on transcript NM_001042492.3 (MANE Select); coding-DNA position 2282, C replaced by T.
Protein change: p.Ala761Val; replaces alanine 761 with valine.
Molecular consequence: missense variant.
Genome position (GRCh38, 1-based): chr17:31,227,248, C>T. VCF-style: chr17-31227248-C-T. GRCh37 (hg19) VCF-style: chr17-29554266-C-T.
Other names: c.2282C>T, p.Ala761Val (NM_000267.4); short protein forms A761V.
Identifiers: ClinVar variation 481883 (VCV000481883.16), dbSNP rs746850653, ClinGen allele CA8485943.